The following is an entry in ClinVar:

NM_152618.3(BBS12):c.1752A>G (p.Arg584=)

Gene: BBS12 (Bardet-Biedl syndrome 12; plus strand). Cytogenetic location: 4q27.
Variant type: single nucleotide variant.
Coding change: c.1752A>G on transcript NM_152618.3 (MANE Select); coding-DNA position 1752, A replaced by G.
Protein change: p.Arg584=; no amino-acid change (arginine 584 retained).
Molecular consequence: synonymous variant.
Genome position (GRCh38, 1-based): chr4:122,743,644, A>G. VCF-style: chr4-122743644-A-G. GRCh37 (hg19) VCF-style: chr4-123664799-A-G.
Other names: c.1752A>G, p.Arg584= (NM_001178007.2).
Identifiers: ClinVar variation 3357240 (VCV003357240.1).

ClinVar aggregate classification (germline): Likely benign (0 of 4 stars; one submission).

Conditions:
BBS12-related disorder. Also called: BBS12-related condition.

Submission:

PreventionGenetics, part of Exact Sciences
Classification: Likely benign for BBS12-related condition. Last evaluated: 2022-08-10. Review status: no assertion criteria provided. Collection method: clinical testing. Allele origin: germline.
Comment: This variant is classified as likely benign based on ACMG/AMP sequence variant interpretation guidelines (Richards et al. 2015 PMID: 25741868, with internal and published modifications).